The following is an entry in ClinVar:

ClinVar aggregate classification (germline): Uncertain significance (1 of 4 stars; one submission).

Submission:

Labcorp Genetics (formerly Invitae), Labcorp
Classification: Uncertain significance. Last evaluated: 2025-04-26. Review status: criteria provided, single submitter. Criteria: Invitae Variant Classification Sherloc (09022015). Collection method: clinical testing. Allele origin: germline.
Comment: This sequence change replaces aspartic acid, which is acidic and polar, with valine, which is neutral and non-polar, at codon 991 of the ERBB4 protein (p.Asp991Val). This variant is not present in population databases (gnomAD no frequency). This variant has not been reported in the literature in individuals affected with ERBB4-related conditions. Invitae Evidence Modeling of protein sequence and biophysical properties (such as structural, functional, and spatial information, amino acid conservation, physicochemical variation, residue mobility, and thermodynamic stability) indicates that this missense variant is not expected to disrupt ERBB4 protein function with a negative predictive value of 80%. In summary, the available evidence is currently insufficient to determine the role of this variant in disease. Therefore, it has been classified as a Variant of Uncertain Significance.

NM_005235.3(ERBB4):c.2972A>T (p.Asp991Val)

Gene: ERBB4 (erb-b2 receptor tyrosine kinase 4; minus strand). Cytogenetic location: 2q34.
Variant type: single nucleotide variant.
Coding change: c.2972A>T on transcript NM_005235.3 (MANE Select); coding-DNA position 2972, A replaced by T.
Protein change: p.Asp991Val; replaces aspartic acid 991 with valine.
Molecular consequence: missense variant.
Genome position (GRCh38, 1-based): chr2:211,420,604, T>A on the plus strand (A>T on the coding strand, the complement: ERBB4 is on the minus strand). VCF-style: chr2-211420604-T-A. GRCh37 (hg19) VCF-style: chr2-212285329-T-A.
Other names: c.2972A>T, p.Asp991Val (NM_001042599.2); c.2942A>T, p.Asp981Val (NM_001439005.1, NM_001439006.1); short protein forms D991V, D981V.
Identifiers: ClinVar variation 4735503 (VCV004735503.1).